The following is an entry in ClinVar:

NM_001135629.3(PPP1R21):c.787G>T (p.Val263Phe)

Gene: PPP1R21 (protein phosphatase 1 regulatory subunit 21; plus strand). Cytogenetic location: 2p16.3.
Variant type: single nucleotide variant.
Coding change: c.787G>T on transcript NM_001135629.3 (MANE Select); coding-DNA position 787, G replaced by T.
Protein change: p.Val263Phe; replaces valine 263 with phenylalanine.
Molecular consequence: missense variant. On other transcripts: non-coding transcript variant (1).
Genome position (GRCh38, 1-based): chr2:48,465,532, G>T. VCF-style: chr2-48465532-G-T. GRCh37 (hg19) VCF-style: chr2-48692671-G-T.
Other names: c.787G>T (NM_001135629.2); c.787G>T, p.Val263Phe (NM_001193475.2, NM_152994.5); short protein forms V263F.
Identifiers: ClinVar variation 2053317 (VCV002053317.5), dbSNP rs371512299, ClinGen allele CA46757096.
Genomic context (GRCh38, chr2:48,465,532, plus strand): 5'-TATATATTTTTCATTTTAAAGCTGAAGATGCGAGATATTGCTGGGCAGGCCCTGGCTTTT[G>T]TTCAGGATCTTGTGACGGCTCTTCTAAACTTTCATACCTACACAGAACAGAGGATTCAAA-3'
Protein context (NP_001129101.1, residues 253-273): RDIAGQALAF[Val263Phe]QDLVTALLNF

ClinVar aggregate classification (germline): Uncertain significance. Review status: criteria provided, multiple submitters, no conflicts (2 of 4 stars). 2 submissions from 2 submitters: Uncertain significance (2). Last evaluated 2025-10-06.

Conditions:
Inborn genetic diseases. Identifiers: MedGen C0950123, MeSH D030342.

Allele frequency attached by ClinVar (database versions not stated): gnomAD exomes below 0.00001; TOPMed 0.00002; gnomAD 0.00001.

Submissions (2):

Ambry Genetics
Classification: Uncertain significance for Inborn genetic diseases. Last evaluated: 2025-10-06. Review status: criteria provided, single submitter. Criteria: Ambry Variant Classification Scheme 2023. Collection method: clinical testing. Allele origin: germline.

Labcorp Genetics (formerly Invitae), Labcorp
Classification: Uncertain significance. Last evaluated: 2022-09-29. Review status: criteria provided, single submitter. Criteria: Invitae Variant Classification Sherloc (09022015). Collection method: clinical testing. Allele origin: germline.
Comment: In summary, the available evidence is currently insufficient to determine the role of this variant in disease. Therefore, it has been classified as a Variant of Uncertain Significance. This sequence change replaces valine, which is neutral and non-polar, with phenylalanine, which is neutral and non-polar, at codon 263 of the PPP1R21 protein (p.Val263Phe). This variant is not present in population databases (gnomAD no frequency). This variant has not been reported in the literature in individuals affected with PPP1R21-related conditions. Algorithms developed to predict the effect of missense changes on protein structure and function are either unavailable or do not agree on the potential impact of this missense change (SIFT: "Deleterious"; PolyPhen-2: "Possibly Damaging"; Align-GVGD: "Class C0").